The following is an entry in ClinVar:

ClinVar aggregate classification (germline): Uncertain significance (1 of 4 stars; one submission).

Conditions:
Inborn genetic diseases. Identifiers: MedGen C0950123, MeSH D030342.

Submission:

Ambry Genetics
Classification: Uncertain significance for Inborn genetic diseases. Last evaluated: 2026-04-01. Review status: criteria provided, single submitter. Criteria: Ambry Variant Classification Scheme 2023. Collection method: clinical testing. Allele origin: germline.
Comment: The c.101C>A (p.S34*) alteration, located in exon 4 (coding exon 1) of the ZMYM2 gene, consists of a C to A substitution at nucleotide position 101. This changes the amino acid from a serine (S) to a stop codon at amino acid position 34. The predicted stop codon occurs in the 5&rsquo; end of the ZMYM2 gene. Premature termination codons in the 5&rsquo; end of a gene have been reported to escape nonsense-mediated mRNA decay and/or lead to re-initiation (Rivas, 2015; Lindeboom, 2016; Rhee, 2017). The exact functional effect of this variant is unknown. This variant was not reported in population-based cohorts in the Genome Aggregation Database (gnomAD). Based on insufficient or conflicting evidence, the clinical significance of this alteration remains unclear.

NM_197968.4(ZMYM2):c.101C>A (p.Ser34Ter)

Gene: ZMYM2 (zinc finger MYM-type containing 2; plus strand). Cytogenetic location: 13q12.11.
Variant type: single nucleotide variant.
Coding change: c.101C>A on transcript NM_197968.4 (MANE Select); coding-DNA position 101, C replaced by A.
Protein change: p.Ser34Ter; replaces serine 34 with a stop codon.
Molecular consequence: nonsense. On other transcripts: non-coding transcript variant (1).
Genome position (GRCh38, 1-based): chr13:19,993,173, C>A. VCF-style: chr13-19993173-C-A. GRCh37 (hg19) VCF-style: chr13-20567313-C-A.
Other names: c.101C>A, p.Ser34Ter (NM_001190964.4, NM_001190965.4, NM_001353157.2 and 6 more transcripts); c.167C>A, p.Ser56Ter (NM_001353161.3); short protein forms S34*, S56*.
Identifiers: ClinVar variation 4866906 (VCV004866906.1).